The following is an entry in ClinVar:

NM_152743.4(BRAT1):c.2125T>C (p.Phe709Leu)

Gene: BRAT1 (BRCA1 associated ATM activator 1; minus strand). Cytogenetic location: 7p22.3.
Variant type: single nucleotide variant.
Coding change: c.2125T>C on transcript NM_152743.4 (MANE Select); coding-DNA position 2125, T replaced by C.
Protein change: p.Phe709Leu; replaces phenylalanine 709 with leucine.
Molecular consequence: missense variant. On other transcripts: non-coding transcript variant (1).
Genome position (GRCh38, 1-based): chr7:2,538,410, A>G on the plus strand (T>C on the coding strand, the complement: BRAT1 is on the minus strand). VCF-style: chr7-2538410-A-G. GRCh37 (hg19) VCF-style: chr7-2578044-A-G.
Other names: c.2305T>C, p.Phe769Leu (NM_001350626.2); c.1600T>C, p.Phe534Leu (NM_001350627.2); short protein forms F534L, F709L, F769L.
Identifiers: ClinVar variation 945351 (VCV000945351.9), dbSNP rs748200542, ClinGen allele CA4127451.
Genomic context (GRCh38, chr7:2,538,410, plus strand): 5'-TGTCCCTCAGGAAGAGAAGGAGGTCACAAGACTTCTGCGCCACAGGGCGGTCGCAGTCAA[A>G]CAAGGCACAAAAGGCGAAGTCAAAGAGCCCCACGTGGCAGAGAGCCCTCAGTGCCTCGGT-3'
Protein context (NP_689956.2, residues 699-719): GLFDFAFCAL[Phe709Leu]DCDRPVAQKS

ClinVar aggregate classification (germline): Uncertain significance (1 of 4 stars; one submission).

Conditions:
Neonatal-onset encephalopathy with rigidity and seizures. Also called: Lethal neonatal spasticity-epileptic encephalopathy syndrome. Identifiers: Orphanet 435845, MedGen C3281029, MONDO:0013784, OMIM 614498.

Allele frequency attached by ClinVar (database versions not stated): ExAC 0.00001; gnomAD exomes 0.00001; gnomAD 0.00002; TOPMed 0.00002.
gnomAD v4.1: 3 of 1,613,278 alleles (0.00019%); highest among the groups gnomAD compares: African/African-American, 0.004%; no homozygotes.

Submission:

Labcorp Genetics (formerly Invitae), Labcorp
Classification: Uncertain significance for Neonatal-onset encephalopathy with rigidity and seizures. Last evaluated: 2025-03-10. Review status: criteria provided, single submitter. Criteria: Invitae Variant Classification Sherloc (09022015). Collection method: clinical testing. Allele origin: germline.
Comment: This sequence change replaces phenylalanine, which is neutral and non-polar, with leucine, which is neutral and non-polar, at codon 709 of the BRAT1 protein (p.Phe709Leu). This variant is present in population databases (rs748200542, gnomAD 0.01%). This variant has not been reported in the literature in individuals affected with BRAT1-related conditions. ClinVar contains an entry for this variant (Variation ID: 945351). Invitae Evidence Modeling of protein sequence and biophysical properties (such as structural, functional, and spatial information, amino acid conservation, physicochemical variation, residue mobility, and thermodynamic stability) indicates that this missense variant is not expected to disrupt BRAT1 protein function with a negative predictive value of 95%. In summary, the available evidence is currently insufficient to determine the role of this variant in disease. Therefore, it has been classified as a Variant of Uncertain Significance.